The following is an entry in ClinVar:

NM_001297.5(CNGB1):c.3125G>T (p.Arg1042Leu)

Gene: CNGB1 (cyclic nucleotide gated channel subunit beta 1; minus strand). Cytogenetic location: 16q21.
Variant type: single nucleotide variant.
Coding change: c.3125G>T on transcript NM_001297.5 (MANE Select); coding-DNA position 3125, G replaced by T.
Protein change: p.Arg1042Leu; replaces arginine 1042 with leucine.
Molecular consequence: missense variant.
Genome position (GRCh38, 1-based): chr16:57,897,514, C>A on the plus strand (G>T on the coding strand, the complement: CNGB1 is on the minus strand). VCF-style: chr16-57897514-C-A. GRCh37 (hg19) VCF-style: chr16-57931418-C-A.
Other names: c.3107G>T, p.Arg1036Leu (NM_001286130.2); short protein forms R1036L, R1042L.
Identifiers: ClinVar variation 1980024 (VCV001980024.3), dbSNP rs773698242, ClinGen allele CA396066754.

ClinVar aggregate classification (germline): Uncertain significance (1 of 4 stars; one submission).

Allele frequency attached by ClinVar (database versions not stated): gnomAD 0.00001.
gnomAD v4.1: 2 of 1,614,034 alleles (0.00012%); highest among the groups gnomAD compares: African/African-American, 0.0013%; no homozygotes.

Submission:

Labcorp Genetics (formerly Invitae), Labcorp
Classification: Uncertain significance. Last evaluated: 2022-02-03. Review status: criteria provided, single submitter. Criteria: Invitae Variant Classification Sherloc (09022015). Collection method: clinical testing. Allele origin: germline.
Comment: This variant has not been reported in the literature in individuals affected with CNGB1-related conditions. Advanced modeling of protein sequence and biophysical properties (such as structural, functional, and spatial information, amino acid conservation, physicochemical variation, residue mobility, and thermodynamic stability) performed at Invitae indicates that this missense variant is expected to disrupt CNGB1 protein function. In summary, the available evidence is currently insufficient to determine the role of this variant in disease. Therefore, it has been classified as a Variant of Uncertain Significance. This variant is not present in population databases (gnomAD no frequency). This sequence change replaces arginine, which is basic and polar, with leucine, which is neutral and non-polar, at codon 1042 of the CNGB1 protein (p.Arg1042Leu).